The following is an entry in ClinVar:

NM_001377530.1(DMBT1):c.3250C>T (p.His1084Tyr)

Gene: DMBT1 (deleted in malignant brain tumors 1; plus strand). Cytogenetic location: 10q26.13.
Variant type: single nucleotide variant.
Coding change: c.3250C>T on transcript NM_001377530.1 (MANE Select); coding-DNA position 3250, C replaced by T.
Protein change: p.His1084Tyr; replaces histidine 1084 with tyrosine.
Molecular consequence: missense variant.
Genome position (GRCh38, 1-based): chr10:122,599,067, C>T. VCF-style: chr10-122599067-C-T. GRCh37 (hg19) VCF-style: chr10-124358583-C-T.
Other names: c.3250C>T, p.His1084Tyr (NM_001320644.2, NM_007329.3); c.1753C>T, p.His585Tyr (NM_004406.3); c.3220C>T, p.His1074Tyr (NM_017579.3); short protein forms H1074Y, H1084Y, H585Y.
Identifiers: ClinVar variation 3037168 (VCV003037168.2), dbSNP rs2277244, ClinGen allele CA5727442.

ClinVar aggregate classification (germline): Benign (0 of 4 stars; one submission).

Conditions:
DMBT1-related disorder. Also called: DMBT1-related condition.

Allele frequency attached by ClinVar (database versions not stated): gnomAD 0.02710; gnomAD exomes 0.03462; 1000 Genomes Project 30x 0.03951; ExAC 0.04102; 1000 Genomes Project 0.04153; ESP Exome Variant Server 0.02269; TOPMed 0.02577.
gnomAD v4.1: 54,681 of 1,613,808 alleles (3.4%); highest among the groups gnomAD compares: East Asian, 8.8%; 1,257 homozygotes.

Submission:

PreventionGenetics, part of Exact Sciences
Classification: Benign for DMBT1-related condition. Last evaluated: 2019-05-21. Review status: no assertion criteria provided. Collection method: clinical testing. Allele origin: germline.
Comment: This variant is classified as benign based on ACMG/AMP sequence variant interpretation guidelines (Richards et al. 2015 PMID: 25741868, with internal and published modifications).